The following is an entry in ClinVar:

ClinVar aggregate classification (germline): Likely benign (0 of 4 stars; one submission).

Conditions:
FAT3-related disorder. Also called: FAT3-related condition.

Allele frequency attached by ClinVar (database versions not stated): TOPMed 0.00006; gnomAD 0.00015; ExAC 0.00025; gnomAD exomes 0.00039; 1000 Genomes Project 30x 0.00094; 1000 Genomes Project 0.00120.
gnomAD v4.1: 569 of 1,613,894 alleles (0.035%); highest among the groups gnomAD compares: East Asian, 1.3%; 6 homozygotes.

Submission:

PreventionGenetics, part of Exact Sciences
Classification: Likely benign for FAT3-related condition. Last evaluated: 2022-10-08. Review status: no assertion criteria provided. Collection method: clinical testing. Allele origin: germline.
Comment: This variant is classified as likely benign based on ACMG/AMP sequence variant interpretation guidelines (Richards et al. 2015 PMID: 25741868, with internal and published modifications).

NM_001367949.2(FAT3):c.4969G>T (p.Val1657Leu)

Gene: FAT3 (FAT atypical cadherin 3; plus strand). Cytogenetic location: 11q14.3.
Variant type: single nucleotide variant.
Coding change: c.4969G>T on transcript NM_001367949.2 (MANE Select); coding-DNA position 4969, G replaced by T.
Protein change: p.Val1657Leu; replaces valine 1657 with leucine.
Molecular consequence: missense variant.
Genome position (GRCh38, 1-based): chr11:92,797,982, G>T. VCF-style: chr11-92797982-G-T. GRCh37 (hg19) VCF-style: chr11-92531148-G-T.
Other names: c.4969G>T, p.Val1657Leu (NM_001008781.3); short protein forms V1657L.
Identifiers: ClinVar variation 3054403 (VCV003054403.2), dbSNP rs75527815, ClinGen allele CA6227055.